The following is an entry in ClinVar:

NM_022739.4(SMURF2):c.1726G>A (p.Glu576Lys)

Gene: SMURF2 (SMAD specific E3 ubiquitin protein ligase 2; minus strand). Cytogenetic location: 17q23.3.
Variant type: single nucleotide variant.
Coding change: c.1726G>A on transcript NM_022739.4 (MANE Select); coding-DNA position 1726, G replaced by A.
Protein change: p.Glu576Lys; replaces glutamic acid 576 with lysine.
Molecular consequence: missense variant.
Genome position (GRCh38, 1-based): chr17:64,554,878, C>T on the plus strand (G>A on the coding strand, the complement: SMURF2 is on the minus strand). VCF-style: chr17-64554878-C-T. GRCh37 (hg19) VCF-style: chr17-62550996-C-T.
Other names: short protein forms E576K.
Identifiers: ClinVar variation 4995953 (VCV004995953.1).

ClinVar aggregate classification (germline): Uncertain significance (1 of 4 stars; one submission).

Conditions:
SMURF2-related disorder. Also called: SMURF2-related condition.

Submission:

PreventionGenetics, part of Exact Sciences
Classification: Uncertain significance for SMURF2-related condition. Last evaluated: 2025-08-30. Review status: criteria provided, single submitter. Criteria: ACMG Guidelines, 2015. Collection method: clinical testing. Allele origin: germline.
Comment: The SMURF2 c.1726G>A variant is predicted to result in the amino acid substitution p.Glu576Lys. To our knowledge, this variant has not been reported in the literature or in a large population database (gnomAD), indicating this variant is rare. At this time, the clinical significance of this variant is uncertain due to the absence of conclusive functional and genetic evidence.